The following is an entry in ClinVar:

NM_000051.4(ATM):c.6521G>A (p.Ser2174Asn)

Genes: ATM (ATM serine/threonine kinase; plus strand), C11orf65 (chromosome 11 open reading frame 65; minus strand). Cytogenetic location: 11q22.3.
Variant type: single nucleotide variant.
Coding change: c.6521G>A on transcript NM_000051.4 (MANE Select); coding-DNA position 6521, G replaced by A.
Protein change: p.Ser2174Asn; replaces serine 2174 with asparagine.
Molecular consequence: missense variant. On other transcripts: intron variant (2).
Genome position (GRCh38, 1-based): chr11:108,321,369, G>A. VCF-style: chr11-108321369-G-A. GRCh37 (hg19) VCF-style: chr11-108192096-G-A.
Other names: c.6521G>A, p.Ser2174Asn (NM_001351834.2); c.641-12298C>T (NM_001330368.2); c.*39-12298C>T (NM_001351110.2); short protein forms S2174N.
Identifiers: ClinVar variation 568279 (VCV000568279.9), dbSNP rs1470293148, ClinGen allele CA382554172.

ClinVar aggregate classification (germline): Uncertain significance (1 of 4 stars; one submission).

Conditions:
Ataxia-telangiectasia syndrome (AT). Also called: Cerebello-oculocutaneous telangiectasia; Immunodeficiency with ataxia telangiectasia; Ataxia-telangiectasia, complementation group E; Ataxia-telangiectasia, complementation group D; AT, COMPLEMENTATION GROUP C; ATAXIA-TELANGIECTASIA, COMPLEMENTATION GROUP A. Identifiers: Orphanet 100, MedGen C0004135, MONDO:0008840, OMIM 208900.

Allele frequency attached by ClinVar (database versions not stated): gnomAD exomes below 0.00001.
gnomAD v4.1: 1 of 1,614,158 alleles (0.000062%); highest among the groups gnomAD compares: South Asian, 0.0011%; no homozygotes.

Submission:

Labcorp Genetics (formerly Invitae), Labcorp
Classification: Uncertain significance for Ataxia-telangiectasia syndrome. Last evaluated: 2018-06-04. Review status: criteria provided, single submitter. Criteria: Invitae Variant Classification Sherloc (09022015). Collection method: clinical testing. Allele origin: germline.
Comment: In summary, the available evidence is currently insufficient to determine the role of this variant in disease. Therefore, it has been classified as a Variant of Uncertain Significance. Algorithms developed to predict the effect of missense changes on protein structure and function are either unavailable or do not agree on the potential impact of this missense change (SIFT: "Tolerated"; PolyPhen-2: "Possibly Damaging"; Align-GVGD: "Class C0"). This variant has not been reported in the literature in individuals with ATM-related disease. This variant is not present in population databases (ExAC no frequency). This sequence change replaces serine with asparagine at codon 2174 of the ATM protein (p.Ser2174Asn). The serine residue is weakly conserved and there is a small physicochemical difference between serine and asparagine.